The following is an entry in ClinVar:

ClinVar aggregate classification (germline): Conflicting classifications of pathogenicity. Review status: criteria provided, conflicting classifications (1 of 4 stars). 4 submissions from 4 submitters: Uncertain significance (1); Likely benign (2). 1 of the submissions does not count toward it. Last evaluated 2025-03-16.

Conditions:
Cataract 41 (CTRCT41). Also called: CATARACT 41, CONGENITAL NUCLEAR TYPE. Identifiers: Orphanet 91492, Orphanet 98991, Orphanet 98992, Orphanet 98995, MedGen C3805412, MONDO:0007287, OMIM 116400.
Type 2 diabetes mellitus. Also called: Type II diabetes mellitus. Identifiers: MedGen C0011860, MeSH D003924, MONDO:0005148, OMIM 125853, HP:0005978.
Wolfram-like syndrome. Also called: HEARING LOSS, PROGRESSIVE, WITH OPTIC ATROPHY AND/OR IMPAIRED GLUCOSE REGULATION. Identifiers: Orphanet 411590, MedGen C3280358, MONDO:0013673, OMIM 614296.
Wolfram syndrome 1 (WFS1). Identifiers: Orphanet 3463, MedGen C4551693, MONDO:0009101, OMIM 222300.
Autosomal dominant nonsyndromic hearing loss 6 (LFSNHL). Also called: Autosomal dominant nonsyndromic deafness 6; DEAFNESS, AUTOSOMAL DOMINANT 6; DEAFNESS, AUTOSOMAL DOMINANT 14; DEAFNESS, AUTOSOMAL DOMINANT 38. Identifiers: Orphanet 90635, MedGen C1833021, MONDO:0010963, OMIM 600965.
WFS1-related disorder. Identifiers: MedGen CN379391, MONDO:0700293.

Allele frequency attached by ClinVar (database versions not stated): ExAC 0.00002.
gnomAD v4.1: 37 of 1,612,930 alleles (0.0023%); highest among the groups gnomAD compares: Non-Finnish European, 0.0028%; no homozygotes.

Submissions (4):

Labcorp Genetics (formerly Invitae), Labcorp
Classification: Likely benign. Last evaluated: 2025-03-16. Review status: criteria provided, single submitter. Criteria: Invitae Variant Classification Sherloc (09022015). Collection method: clinical testing. Allele origin: germline.

Blueprint Genetics
Classification: Likely benign. Last evaluated: 2024-07-09. Review status: criteria provided, single submitter. Criteria: ACMG Guidelines, 2015. Collection method: clinical testing. Allele origin: germline.

Fulgent Genetics
Classification: Uncertain significance for Cataract 41; Type 2 diabetes mellitus; Wolfram syndrome 1; Autosomal dominant nonsyndromic hearing loss 6; Wolfram-like syndrome. Last evaluated: 2024-01-20. Review status: criteria provided, single submitter. Criteria: ACMG Guidelines, 2015. Collection method: clinical testing. Allele origin: germline.

PreventionGenetics, part of Exact Sciences
Classification: Likely benign for WFS1-related condition. Last evaluated: 2019-07-11. Review status: no assertion criteria provided. Collection method: clinical testing. Allele origin: germline. Not counted in ClinVar's aggregate classification.
Comment: This variant is classified as likely benign based on ACMG/AMP sequence variant interpretation guidelines (Richards et al. 2015 PMID: 25741868, with internal and published modifications).

NM_006005.3(WFS1):c.1359C>T (p.Pro453=)

Gene: WFS1 (wolframin ER transmembrane glycoprotein; plus strand). Cytogenetic location: 4p16.1.
Variant type: single nucleotide variant.
Coding change: c.1359C>T on transcript NM_006005.3 (MANE Select); coding-DNA position 1359, C replaced by T.
Protein change: p.Pro453=; no amino-acid change (proline 453 retained).
Molecular consequence: synonymous variant.
Genome position (GRCh38, 1-based): chr4:6,301,154, C>T. VCF-style: chr4-6301154-C-T. GRCh37 (hg19) VCF-style: chr4-6302881-C-T.
Other names: c.1359C>T, p.Pro453= (NM_001145853.1).
Identifiers: ClinVar variation 2163228 (VCV002163228.8), dbSNP rs781138096, ClinGen allele CA2839319.